The following is an entry in ClinVar:

NM_001378418.1(TCF20):c.5450G>A (p.Ser1817Asn)

Gene: TCF20 (transcription factor 20; minus strand). Cytogenetic location: 22q13.2.
Variant type: single nucleotide variant.
Coding change: c.5450G>A on transcript NM_001378418.1 (MANE Select); coding-DNA position 5450, G replaced by A.
Protein change: p.Ser1817Asn; replaces serine 1817 with asparagine.
Molecular consequence: missense variant.
Genome position (GRCh38, 1-based): chr22:42,209,856, C>T on the plus strand (G>A on the coding strand, the complement: TCF20 is on the minus strand). VCF-style: chr22-42209856-C-T. GRCh37 (hg19) VCF-style: chr22-42605862-C-T.
Other names: c.5450G>A, p.Ser1817Asn (NM_005650.4, NM_181492.3); c.5450G>A (NM_005650.3); short protein forms S1817N.
Identifiers: ClinVar variation 2049562 (VCV002049562.7), dbSNP rs201557973, ClinGen allele CA10266472.

ClinVar aggregate classification (germline): Benign/Likely benign. Review status: criteria provided, multiple submitters, no conflicts (2 of 4 stars). 3 submissions from 3 submitters: Benign (1); Likely benign (1). 1 of the submissions does not count toward it. Last evaluated 2026-01-21.

Conditions:
TCF20-related disorder. Also called: TCF20-related condition.

Allele frequency attached by ClinVar (database versions not stated): gnomAD exomes 0.00036; ExAC 0.00082; 1000 Genomes Project 30x 0.00094; 1000 Genomes Project 0.00100.
gnomAD v4.1: 542 of 1,614,252 alleles (0.034%); highest among the groups gnomAD compares: South Asian, 0.58%; 5 homozygotes.

Submissions (3):

Labcorp Genetics (formerly Invitae), Labcorp
Classification: Benign. Last evaluated: 2026-01-21. Review status: criteria provided, single submitter. Criteria: Invitae Variant Classification Sherloc (09022015). Collection method: clinical testing. Allele origin: germline.

Blueprint Genetics
Classification: Likely benign. Last evaluated: 2023-07-10. Review status: criteria provided, single submitter. Criteria: ACMG Guidelines, 2015. Collection method: clinical testing. Allele origin: germline.

PreventionGenetics, part of Exact Sciences
Classification: Benign for TCF20-related condition. Last evaluated: 2021-03-26. Review status: no assertion criteria provided. Collection method: clinical testing. Allele origin: germline. Not counted in ClinVar's aggregate classification.
Comment: This variant is classified as benign based on ACMG/AMP sequence variant interpretation guidelines (Richards et al. 2015 PMID: 25741868, with internal and published modifications).